The following is an entry in ClinVar:

ClinVar aggregate classification (germline): Uncertain significance (1 of 4 stars; one submission).

Conditions:
Deficiency of hydroxymethylglutaryl-CoA lyase (HMGCLD). Also called: HMGCL DEFICIENCY; HYDROXYMETHYLGLUTARIC ACIDURIA; HMG-CoA LYASE DEFICIENCY; Defect in leucine metabolism; 3-hydroxy-3-methylglutaric aciduria. Identifiers: Orphanet 20, MedGen C1533587, MONDO:0009520, OMIM 246450.

Submission:

Labcorp Genetics (formerly Invitae), Labcorp
Classification: Uncertain significance for Deficiency of hydroxymethylglutaryl-CoA lyase. Last evaluated: 2021-09-01. Review status: criteria provided, single submitter. Criteria: Invitae Variant Classification Sherloc (09022015). Collection method: clinical testing. Allele origin: germline.
Comment: This sequence change replaces serine with arginine at codon 315 of the HMGCL protein (p.Ser315Arg). The serine residue is weakly conserved and there is a moderate physicochemical difference between serine and arginine. This variant is not present in population databases (ExAC no frequency). This variant has not been reported in the literature in individuals affected with HMGCL-related conditions. Algorithms developed to predict the effect of missense changes on protein structure and function (SIFT, PolyPhen-2, Align-GVGD) all suggest that this variant is likely to be tolerated. In summary, the available evidence is currently insufficient to determine the role of this variant in disease. Therefore, it has been classified as a Variant of Uncertain Significance.

NM_000191.3(HMGCL):c.945C>G (p.Ser315Arg)

Gene: HMGCL (3-hydroxy-3-methylglutaryl-CoA lyase; minus strand). Cytogenetic location: 1p36.11.
Variant type: single nucleotide variant.
Coding change: c.945C>G on transcript NM_000191.3 (MANE Select); coding-DNA position 945, C replaced by G.
Protein change: p.Ser315Arg; replaces serine 315 with arginine.
Molecular consequence: missense variant.
Genome position (GRCh38, 1-based): chr1:23,802,496, G>C on the plus strand (C>G on the coding strand, the complement: HMGCL is on the minus strand). VCF-style: chr1-23802496-G-C. GRCh37 (hg19) VCF-style: chr1-24128986-G-C.
Other names: c.732C>G, p.Ser244Arg (NM_001166059.2); short protein forms S315R, S244R.
Identifiers: ClinVar variation 568971 (VCV000568971.6), dbSNP rs1557484629, ClinGen allele CA339019378.
Genomic context (GRCh38, chr1:23,802,496, plus strand): 5'-CCCCAGGGCTTCAGGTGGGCAAGGGGCTCAGAGTTTACAGGTAGCCTGAGCCACTTTGGA[G>C]CTAGTTTTTCTGTTCAGGGCTTGACAGATAAAGTTTCCAGCTTCCAGAAGCTTCTGGAGA-3'
Protein context (NP_000182.2, residues 305-325): FICQALNRKT[Ser315Arg]SKVAQATCKL